The following is an entry in ClinVar:

NM_001844.5(COL2A1):c.85+96C>G

Gene: COL2A1 (collagen type II alpha 1 chain; minus strand). Cytogenetic location: 12q13.11.
Variant type: single nucleotide variant.
Coding change: c.85+96C>G on transcript NM_001844.5 (MANE Select); 96 bases into the intron after coding-DNA position 85, C replaced by G.
Molecular consequence: intron variant.
Genome position (GRCh38, 1-based): chr12:48,004,141, G>C on the plus strand (C>G on the coding strand, the complement: COL2A1 is on the minus strand). VCF-style: chr12-48004141-G-C. GRCh37 (hg19) VCF-style: chr12-48397924-G-C.
Other names: c.85+96C>G (NM_033150.3).
Identifiers: ClinVar variation 675919 (VCV000675919.2), dbSNP rs76609872, ClinGen allele CA6536112.

ClinVar aggregate classification (germline): Benign. Review status: criteria provided, multiple submitters, no conflicts (2 of 4 stars). 2 submissions from 2 submitters: Benign (2). Last evaluated 2018-06-14.

Allele frequency attached by ClinVar (database versions not stated): 1000 Genomes Project 30x 0.00703; 1000 Genomes Project 0.00739; TOPMed 0.00956; gnomAD 0.01586 and 0.01643.
gnomAD v4.1: 18,277 of 972,690 alleles (1.9%); highest among the groups gnomAD compares: Non-Finnish European, 1.9%; 337 homozygotes.

Submissions (2):

GeneDx
Classification: Benign. Last evaluated: 2018-06-14. Review status: criteria provided, single submitter. Criteria: GeneDx Variant Classification (06012015). Collection method: clinical testing. Allele origin: germline. Affected: yes.
Comment: This variant is considered likely benign or benign based on one or more of the following criteria: it is a conservative change, it occurs at a poorly conserved position in the protein, it is predicted to be benign by multiple in silico algorithms, and/or has population frequency not consistent with disease.

Breakthrough Genomics
Classification: Benign. Review status: criteria provided, single submitter. Criteria: ACMG Guidelines, 2015. Collection method: not provided. Allele origin: germline. Inheritance: Autosomal dominant inheritance. Affected: yes.